The following is an entry in ClinVar:

NM_015374.3(SUN2):c.2032C>T (p.His678Tyr)

Genes: GTPBP1 (GTP binding protein 1; plus strand), SUN2 (Sad1 and UNC84 domain containing 2; minus strand). Cytogenetic location: 22q13.1.
Variant type: single nucleotide variant.
Coding change: c.2032C>T on transcript NM_015374.3 (MANE Select); coding-DNA position 2032, C replaced by T.
Protein change: p.His678Tyr; replaces histidine 678 with tyrosine.
Molecular consequence: missense variant.
Genome position (GRCh38, 1-based): chr22:38,738,181, G>A on the plus strand (C>T on the coding strand, the complement: SUN2 is on the minus strand). VCF-style: chr22-38738181-G-A. GRCh37 (hg19) VCF-style: chr22-39134186-G-A.
Other names: c.2095C>T, p.His699Tyr (NM_001199579.2, NM_001394428.1); c.2032C>T, p.His678Tyr (NM_001199580.2, NM_001394431.1, NM_001394432.1 and 3 more transcripts); c.2125C>T, p.His709Tyr (NM_001394427.1); c.2077C>T, p.His693Tyr (NM_001394429.1, NM_001394430.1); c.2029C>T, p.His677Tyr (NM_001394436.1, NM_001394437.1); c.1942C>T, p.His648Tyr (NM_001394438.1); c.1894C>T, p.His632Tyr (NM_001394439.1, NM_001394440.1, NM_001394441.1); c.1633C>T, p.His545Tyr (NM_001394442.1); and 2 more; short protein forms H486Y, H648Y, H677Y, H693Y, H514Y, H545Y, H678Y, H699Y.
Identifiers: ClinVar variation 1439165 (VCV001439165.6), dbSNP rs771616583, ClinGen allele CA10235355.

ClinVar aggregate classification (germline): Uncertain significance (1 of 4 stars; one submission).

Conditions:
Emery-Dreifuss muscular dystrophy (EDMD). Also called: Scapuloperoneal syndrome, X-linked (formerly); Humeroperoneal neuromuscular disease, (formerly). Identifiers: Orphanet 261, MedGen C0410189, MONDO:0016830.

Allele frequency attached by ClinVar (database versions not stated): gnomAD exomes below 0.00001; ExAC 0.00001.
gnomAD v4.1: 4 of 1,613,954 alleles (0.00025%); highest among the groups gnomAD compares: Non-Finnish European, 0.00025%; no homozygotes.

Submission:

Labcorp Genetics (formerly Invitae), Labcorp
Classification: Uncertain significance for Emery-Dreifuss muscular dystrophy. Last evaluated: 2021-07-31. Review status: criteria provided, single submitter. Criteria: Invitae Variant Classification Sherloc (09022015). Collection method: clinical testing. Allele origin: germline.
Comment: This variant has not been reported in the literature in individuals affected with SUN2-related conditions. This variant is present in population databases (rs771616583, ExAC 0.002%). This sequence change replaces histidine with tyrosine at codon 678 of the SUN2 protein (p.His678Tyr). The histidine residue is weakly conserved and there is a moderate physicochemical difference between histidine and tyrosine. Algorithms developed to predict the effect of missense changes on protein structure and function output the following: SIFT: "Tolerated"; PolyPhen-2: "Benign"; Align-GVGD: "Class C0". The tyrosine amino acid residue is found in multiple mammalian species, which suggests that this missense change does not adversely affect protein function. In summary, the available evidence is currently insufficient to determine the role of this variant in disease. Therefore, it has been classified as a Variant of Uncertain Significance.